The following is an entry in ClinVar:

ClinVar aggregate classification (germline): Pathogenic (1 of 4 stars; one submission).

Submission:

Labcorp Genetics (formerly Invitae), Labcorp
Classification: Pathogenic. Last evaluated: 2024-03-14. Review status: criteria provided, single submitter. Criteria: Invitae Variant Classification Sherloc (09022015). Collection method: clinical testing. Allele origin: germline.
Comment: This sequence change creates a premature translational stop signal (p.Arg1494Lysfs*11) in the MYO3A gene. It is expected to result in an absent or disrupted protein product. Loss-of-function variants in MYO3A are known to be pathogenic (PMID: 12032315, 23990876). This variant is not present in population databases (gnomAD no frequency). This variant has not been reported in the literature in individuals affected with MYO3A-related conditions. For these reasons, this variant has been classified as Pathogenic.

Literature cited by the submitters: PubMed 12032315; PubMed 23990876.

NM_017433.5(MYO3A):c.4478dup (p.Arg1494fs)

Gene: MYO3A (myosin IIIA; plus strand). Cytogenetic location: 10p12.1.
Variant type: Duplication.
Coding change: c.4478dup on transcript NM_017433.5 (MANE Select); coding-DNA position 4478, one base duplicated (C; older notation c.4478dupC).
Protein change: p.Arg1494fs; shifts the reading frame from arginine 1494.
Molecular consequence: frameshift variant.
Genome position (GRCh38, 1-based): chr10:26,193,244, C duplicated; the last of 5 consecutive C bases (chr10:26,193,240-26,193,244); duplicating any one gives the same sequence. VCF-style (leftmost placement, unchanged base first): chr10-26193239-A-AC. GRCh37 (hg19) VCF-style: chr10-26482168-A-AC.
Other names: short protein forms R1494fs.
Identifiers: ClinVar variation 3626297 (VCV003626297.2).